The following is an entry in ClinVar:

NM_001319217.2(CYP1A1):c.1429C>T (p.Arg477Trp)

Gene: CYP1A1 (cytochrome P450 family 1 subfamily A member 1; minus strand). Cytogenetic location: 15q24.1.
Variant type: single nucleotide variant.
Coding change: c.1429C>T on transcript NM_001319217.2 (MANE Select); coding-DNA position 1429, C replaced by T.
Protein change: p.Arg477Trp; replaces arginine 477 with tryptophan.
Molecular consequence: missense variant.
Genome position (GRCh38, 1-based): chr15:74,720,599, G>A on the plus strand (C>T on the coding strand, the complement: CYP1A1 is on the minus strand). VCF-style: chr15-74720599-G-A. GRCh37 (hg19) VCF-style: chr15-75012940-G-A.
Other names: c.1429C>T, p.Arg477Trp (NM_000499.5); c.1342C>T, p.Arg448Trp (NM_001319216.2); short protein forms R448W, R477W.
Identifiers: ClinVar variation 3051186 (VCV003051186.2), dbSNP rs56240201, ClinGen allele CA7659223.

ClinVar aggregate classification (germline): Likely benign (0 of 4 stars; one submission).

Conditions:
CYP1A1-related disorder. Also called: CYP1A1-related condition.

Allele frequency attached by ClinVar (database versions not stated): 1000 Genomes Project 0.00020; ExAC 0.00026; gnomAD 0.00053; TOPMed 0.00055; 1000 Genomes Project 30x 0.00062; ESP Exome Variant Server 0.00108.

Submission:

PreventionGenetics, part of Exact Sciences
Classification: Likely benign for CYP1A1-related condition. Last evaluated: 2023-03-23. Review status: no assertion criteria provided. Collection method: clinical testing. Allele origin: germline.
Comment: This variant is classified as likely benign based on ACMG/AMP sequence variant interpretation guidelines (Richards et al. 2015 PMID: 25741868, with internal and published modifications).